The following is an entry in ClinVar:

ClinVar aggregate classification (germline): Likely pathogenic (1 of 4 stars; one submission).

Conditions:
Usher syndrome type 2A. Also called: RETINAL DISEASE IN USHER SYNDROME TYPE IIA, MODIFIER OF; USHER SYNDROME, TYPE IIA. Identifiers: Orphanet 231178, Orphanet 886, MedGen C1848634, MONDO:0010169, OMIM 276901.
Retinitis pigmentosa 39 (RP39). Identifiers: Orphanet 791, MedGen C3151138, MONDO:0013436, OMIM 613809.

Submission:

Juno Genomics, Hangzhou Juno Genomics, Inc
Classification: Likely pathogenic for Retinitis pigmentosa 39; Usher syndrome type 2A. Review status: criteria provided, single submitter. Criteria: ACMG Guidelines, 2015. Collection method: clinical testing. Allele origin: germline.
Comment: Absent from controls (or at extremely low frequency if recessive) in Genome Aggregation Database.;Null variant in a gene where loss of function (LOF) is a known mechanism of disease.

NM_206933.4(USH2A):c.14968dup (p.Thr4990fs)

Gene: USH2A (usherin; minus strand). Cytogenetic location: 1q41.
Variant type: Duplication.
Coding change: c.14968dup on transcript NM_206933.4 (MANE Select); coding-DNA position 14968, one base duplicated (A; older notation c.14968dupA).
Protein change: p.Thr4990fs; shifts the reading frame from threonine 4990.
Molecular consequence: frameshift variant.
Genome position (GRCh38, 1-based): chr1:215,640,558, T duplicated on the plus strand (A on the coding strand, the reverse complement: USH2A is on the minus strand); the first of 4 consecutive T bases (chr1:215,640,558-215,640,561); duplicating any one gives the same sequence. VCF-style (leftmost placement, unchanged base first): chr1-215640557-C-CT. GRCh37 (hg19) VCF-style: chr1-215813899-C-CT.
Other names: short protein forms T4990fs.
Identifiers: ClinVar variation 5020027 (VCV005020027.2).
Genomic context (GRCh38, chr1:215,640,557, plus strand): 5'-ATCCCGTAAAGCTGGGGAACAGAGCGCCTTCCACACTGAGAAACAGGAGTCAGAAACTAA[C>CT]TTTTGTCCGCCGTTCTCGGTATGTAGAGGGTGGTGTCCAAGCCGCTGTACACGCGTCGCC-3'